The following is an entry in ClinVar:

NM_006904.7(PRKDC):c.1346A>G (p.Tyr449Cys)

Gene: PRKDC (protein kinase, DNA-activated, catalytic subunit; minus strand). Cytogenetic location: 8q11.21.
Variant type: single nucleotide variant.
Coding change: c.1346A>G on transcript NM_006904.7 (MANE Select); coding-DNA position 1346, A replaced by G.
Protein change: p.Tyr449Cys; replaces tyrosine 449 with cysteine.
Molecular consequence: missense variant.
Genome position (GRCh38, 1-based): chr8:47,935,833, T>C on the plus strand (A>G on the coding strand, the complement: PRKDC is on the minus strand). VCF-style: chr8-47935833-T-C. GRCh37 (hg19) VCF-style: chr8-48848393-T-C.
Other names: c.1346A>G, p.Tyr449Cys (NM_001081640.2); short protein forms Y449C.
Identifiers: ClinVar variation 2497395 (VCV002497395.2), dbSNP rs2090340954, ClinGen allele CA371165873.

ClinVar aggregate classification (germline): Uncertain significance (1 of 4 stars; one submission).

Allele frequency attached by ClinVar (database versions not stated): TOPMed below 0.00001.

Submission:

Ambry Genetics
Classification: Uncertain significance. Last evaluated: 2022-11-17. Review status: criteria provided, single submitter. Criteria: Ambry Variant Classification Scheme 2023. Collection method: clinical testing. Allele origin: germline.
Comment: The p.Y449C variant (also known as c.1346A>G), located in coding exon 13 of the PRKDC gene, results from an A to G substitution at nucleotide position 1346. The tyrosine at codon 449 is replaced by cysteine, an amino acid with highly dissimilar properties. This amino acid position is conserved. In addition, the in silico prediction for this alteration is inconclusive. Since supporting evidence is limited at this time, the clinical significance of this alteration remains unclear.